The following is an entry in ClinVar:

NM_001267550.2(TTN):c.426C>T (p.Ala142=)

Gene: TTN (titin; minus strand). Cytogenetic location: 2q31.2.
Variant type: single nucleotide variant.
Coding change: c.426C>T on transcript NM_001267550.2 (MANE Select); coding-DNA position 426, C replaced by T.
Protein change: p.Ala142=; no amino-acid change (alanine 142 retained).
Molecular consequence: synonymous variant.
Genome position (GRCh38, 1-based): chr2:178,800,552, G>A on the plus strand (C>T on the coding strand, the complement: TTN is on the minus strand). VCF-style: chr2-178800552-G-A. GRCh37 (hg19) VCF-style: chr2-179665279-G-A.
Other names: p.A142A:GCC>GCT; p.Ala142=; c.426C>T, p.Ala142= (NM_001256850.1, NM_133378.4, NM_003319.4 and 3 more transcripts).
Identifiers: ClinVar variation 47044 (VCV000047044.50), dbSNP rs56137037, ClinGen allele CA283372.
Genomic context (GRCh38, chr2:178,800,552, plus strand): 5'-CAGTAAGCTGTAGAGGTCGCCTTCTTGTGAAATTTGGAAATCAAGGGAGCTCTGGATTTC[G>A]GCTCCATCCCGGTAGAACTTCACCACAGGTGTAGGGATTCCAGTCACTCTCACTTGGAGT-3'
Protein context (NP_001254479.2, residues 132-152): TPVVKFYRDG[Ala142=]EIQSSLDFQI

ClinVar aggregate classification (germline): Benign/Likely benign. Review status: criteria provided, multiple submitters, no conflicts (2 of 4 stars). 26 submissions from 19 submitters: Benign (16); Likely benign (5). 5 of the submissions do not count toward it. Last evaluated 2026-02-03.

Conditions:
Cardiovascular phenotype. Identifiers: MedGen CN230736.
Dilated cardiomyopathy 1G (CMD1G). Identifiers: Orphanet 154, MedGen C1858763, MONDO:0011400, OMIM 604145.
Autosomal recessive limb-girdle muscular dystrophy type 2J (LGMDR10). Also called: Limb-girdle muscular dystrophy, type 2J; MUSCULAR DYSTROPHY, LIMB-GIRDLE, AUTOSOMAL RECESSIVE 10. Identifiers: Orphanet 140922, MedGen C1837342, MONDO:0012127, OMIM 608807.
Cardiomyopathy (CMYO). Also called: Cardiomyopathies. Identifiers: Orphanet 167848, MedGen C0878544, MONDO:0004994, HP:0001638. Inheritance: Various modes of inheritance.
Early-onset myopathy with fatal cardiomyopathy (CMYO5). Also called: CONGENITAL MYOPATHY 5 WITH CARDIOMYOPATHY; Salih Myopathy. Identifiers: Orphanet 289377, MedGen C2673677, MONDO:0012714, OMIM 611705. Disease mechanism: loss of function.
Myopathy, myofibrillar, 9, with early respiratory failure (MFM9). Also called: MYOPATHY, PROXIMAL, WITH EARLY RESPIRATORY MUSCLE INVOLVEMENT; Myopathy, distal, with early respiratory failure, autosomal dominant; Hereditary myopathy with early respiratory failure; EDSTROM MYOPATHY. Identifiers: Orphanet 178464, Orphanet 34521, MedGen C1863599, MONDO:0011362, OMIM 603689.
Tibial muscular dystrophy (TMD). Also called: Tibial muscular dystrophy, tardive; UDD MYOPATHY; Udd Distal Myopathy – Tibial Muscular Dystrophy. Identifiers: Orphanet 609, MedGen C1838244, MONDO:0010870, OMIM 600334.

Allele frequency attached by ClinVar (database versions not stated): gnomAD 0.00125 and 0.00204; TOPMed 0.00127; ESP Exome Variant Server 0.00161; ExAC 0.00476; 1000 Genomes Project 30x 0.00578; 1000 Genomes Project 0.00599.
gnomAD v4.1: 3,938 of 1,614,108 alleles (0.24%); highest among the groups gnomAD compares: South Asian, 2.2%; 59 homozygotes.

Submissions (26):

Labcorp Genetics (formerly Invitae), Labcorp
Classification: Benign for Dilated cardiomyopathy 1G; Autosomal recessive limb-girdle muscular dystrophy type 2J. Last evaluated: 2026-02-03. Review status: criteria provided, single submitter. Criteria: Invitae Variant Classification Sherloc (09022015). Collection method: clinical testing. Allele origin: germline.

ARUP Laboratories, Molecular Genetics and Genomics, ARUP Laboratories
Classification: Benign. Last evaluated: 2025-06-23. Review status: criteria provided, single submitter. Criteria: ARUP Molecular Germline Variant Investigation Process 2024. Collection method: clinical testing. Allele origin: germline.

Molecular Diagnostic Laboratory for Inherited Cardiovascular Disease, Montreal Heart Institute
Classification: Benign. Last evaluated: 2025-04-09. Review status: criteria provided, single submitter. Criteria: ACMG Guidelines, 2015. Collection method: clinical testing. Allele origin: germline. Affected: no.

Athena Diagnostics
Classification: Benign. Last evaluated: 2025-01-21. Review status: criteria provided, single submitter. Criteria: Athena Diagnostics Criteria. Collection method: clinical testing. Allele origin: unknown.
Comment: The frequency of this variant in the general population is higher than would generally be expected for pathogenic variants in this gene.

Genome-Nilou Lab
Classification: Benign for Autosomal recessive limb-girdle muscular dystrophy type 2J. Last evaluated: 2021-09-10. Review status: criteria provided, single submitter. Criteria: ACMG Guidelines, 2015. Collection method: clinical testing. Allele origin: germline. Affected: no.

Genome-Nilou Lab
Classification: Benign for Myopathy, myofibrillar, 9, with early respiratory failure. Last evaluated: 2021-09-10. Review status: criteria provided, single submitter. Criteria: ACMG Guidelines, 2015. Collection method: clinical testing. Allele origin: germline. Affected: no.

Genome-Nilou Lab
Classification: Benign for Early-onset myopathy with fatal cardiomyopathy. Last evaluated: 2021-09-10. Review status: criteria provided, single submitter. Criteria: ACMG Guidelines, 2015. Collection method: clinical testing. Allele origin: germline. Affected: no.

Genome-Nilou Lab
Classification: Benign for Tibial muscular dystrophy. Last evaluated: 2021-09-10. Review status: criteria provided, single submitter. Criteria: ACMG Guidelines, 2015. Collection method: clinical testing. Allele origin: germline. Affected: no.

Women's Health and Genetics/Laboratory Corporation of America, LabCorp
Classification: Benign. Last evaluated: 2019-10-08. Review status: criteria provided, single submitter. Criteria: LabCorp Variant Classification Summary - May 2015. Collection method: clinical testing. Allele origin: germline.
Comment: Variant summary: TTN c.426C>T alters a non-conserved nucleotide resulting in a synonymous change. 5/5 computational tools predict no significant impact on normal splicing. However, these predictions have yet to be confirmed by functional studies. The variant allele was found at a frequency of 0.0042 in 251330 control chromosomes, predominantly at a frequency of 0.023 within the South Asian subpopulation in the gnomAD database, including 14 homozygotes. The observed variant frequency within South Asian control individuals in the gnomAD database is approximately 37-folds over the estimated maximal expected allele frequency for a pathogenic variant in TTN causing Cardiomyopathy phenotype (0.00063), strongly suggesting that the variant is a benign polymorphism found primarily in populations of South Asian origin. Four ClinVar submissions (evaluation after 2014) cite the variant three times as benign and once as uncertain significance. Based on the evidence outlined above, the variant was classified as benign.

Mayo Clinic Laboratories, Mayo Clinic
Classification: Benign. Last evaluated: 2018-05-10. Review status: criteria provided, single submitter. Criteria: ACMG Guidelines, 2015. Collection method: clinical testing. Allele origin: germline. Observed: 10 variant alleles.

Illumina Laboratory Services, Illumina
Classification: Likely benign for Early-onset myopathy with fatal cardiomyopathy. Last evaluated: 2018-01-13. Review status: criteria provided, single submitter. Criteria: ICSL Variant Classification Criteria 13 December 2019. Collection method: clinical testing. Allele origin: germline.
Comment: This variant was observed in the ICSL laboratory as part of a predisposition screen in an ostensibly healthy population. It had not been previously curated by ICSL or reported in the Human Gene Mutation Database (HGMD: prior to June 1st, 2018), and was therefore a candidate for classification through an automated scoring system. Utilizing variant allele frequency, disease prevalence and penetrance estimates, and inheritance mode, an automated score was calculated to assess if this variant is too frequent to cause the disease. Based on the score and internal cut-off values, a variant classified as likely benign is not then subjected to further curation. The score for this variant resulted in a classification of likely benign for this disease.

Illumina Laboratory Services, Illumina
Classification: Likely benign for Autosomal recessive limb-girdle muscular dystrophy type 2J. Last evaluated: 2018-01-13. Review status: criteria provided, single submitter. Criteria: ICSL Variant Classification Criteria 13 December 2019. Collection method: clinical testing. Allele origin: germline.
Comment: the same text as in the submission from Illumina Laboratory Services, Illumina above.

Illumina Laboratory Services, Illumina
Classification: Benign for Tibial muscular dystrophy. Last evaluated: 2018-01-13. Review status: criteria provided, single submitter. Criteria: ICSL Variant Classification Criteria 13 December 2019. Collection method: clinical testing. Allele origin: germline.
Comment: This variant was observed in the ICSL laboratory as part of a predisposition screen in an ostensibly healthy population. It had not been previously curated by ICSL or reported in the Human Gene Mutation Database (HGMD: prior to June 1st, 2018), and was therefore a candidate for classification through an automated scoring system. Utilizing variant allele frequency, disease prevalence and penetrance estimates, and inheritance mode, an automated score was calculated to assess if this variant is too frequent to cause the disease. Based on the score and internal cut-off values, a variant classified as benign is not then subjected to further curation. The score for this variant resulted in a classification of benign for this disease.

Illumina Laboratory Services, Illumina
Classification: Benign for Myopathy, myofibrillar, 9, with early respiratory failure. Last evaluated: 2018-01-13. Review status: criteria provided, single submitter. Criteria: ICSL Variant Classification Criteria 13 December 2019. Collection method: clinical testing. Allele origin: germline.
Comment: the same text as in the submission from Illumina Laboratory Services, Illumina above.

Illumina Laboratory Services, Illumina
Classification: Likely benign for Dilated cardiomyopathy 1G. Last evaluated: 2018-01-13. Review status: criteria provided, single submitter. Criteria: ICSL Variant Classification Criteria 13 December 2019. Collection method: clinical testing. Allele origin: germline.
Comment: the same text as in the submission from Illumina Laboratory Services, Illumina above.

CHEO Genetics Diagnostic Laboratory, Children's Hospital of Eastern Ontario
Classification: Benign for Cardiomyopathy. Last evaluated: 2017-03-29. Review status: criteria provided, single submitter. Criteria: ACMG Guidelines, 2015. Collection method: clinical testing. Allele origin: germline. Study: Canadian Open Genetics Repository.

Eurofins Ntd Llc (ga)
Classification: Benign. Last evaluated: 2015-09-01. Review status: criteria provided, single submitter. Criteria: EGL Classification Definitions 2015. Collection method: clinical testing. Allele origin: germline. Observed: 1 variant allele, 1 heterozygote.

GeneDx
Classification: Benign. Last evaluated: 2014-01-20. Review status: criteria provided, single submitter. Criteria: GeneDx Variant Classification (06012015). Collection method: clinical testing. Allele origin: germline. Affected: yes.
Comment: This variant is considered likely benign or benign based on one or more of the following criteria: it is a conservative change, it occurs at a poorly conserved position in the protein, it is predicted to be benign by multiple in silico algorithms, and/or has population frequency not consistent with disease.

Ambry Genetics
Classification: Likely benign for Cardiovascular phenotype. Last evaluated: 2012-12-28. Review status: criteria provided, single submitter. Criteria: Ambry Autosomal Dominant and X-Linked criteria (10/2015). Collection method: clinical testing. Allele origin: germline. Observed: 1 variant allele.

Laboratory for Molecular Medicine, Mass General Brigham Personalized Medicine
Classification: Benign. Last evaluated: 2012-04-19. Review status: criteria provided, single submitter. Criteria: LMM Criteria. Collection method: clinical testing. Allele origin: germline. Observed: 15 variant alleles.
Comment: Ala142Ala in exon 4 of TTN: This variant is not expected to have clinical signif icance because it does not alter an amino acid residue, is not located within th e splice consensus sequence, and has been identified in 0.26% (18/7020) of Europ ean American chromosomes from a broad population by the NHLBI Exome Sequencing P roject (dbSNP rs56137037). Ala142Ala in exon 4 of TTN (allele frequency = 0.26%, 18/7020; dbSNP rs56137037) **

Breakthrough Genomics
Classification: Likely benign. Review status: criteria provided, single submitter. Criteria: ACMG Guidelines, 2015. Collection method: not provided. Allele origin: germline. Inheritance: Autosomal recessive inheritance. Affected: yes.

Clinical Genetics DNA and cytogenetics Diagnostics Lab, Erasmus MC, Erasmus Medical Center
Classification: Likely benign. Review status: no assertion criteria provided. Collection method: clinical testing. Allele origin: germline. Affected: yes. Study: VKGL Data-share Consensus. Not counted in ClinVar's aggregate classification.

Clinical Genetics, Academic Medical Center
Classification: Benign. Review status: no assertion criteria provided. Collection method: clinical testing. Allele origin: germline. Affected: yes. Study: VKGL Data-share Consensus. Not counted in ClinVar's aggregate classification.

Diagnostic Laboratory, Department of Genetics, University Medical Center Groningen
Classification: Likely benign. Review status: no assertion criteria provided. Collection method: clinical testing. Allele origin: germline. Affected: yes. Study: VKGL Data-share Consensus. Not counted in ClinVar's aggregate classification.

Joint Genome Diagnostic Labs from Nijmegen and Maastricht, Radboudumc and MUMC+
Classification: Benign. Review status: no assertion criteria provided. Collection method: clinical testing. Allele origin: germline. Affected: yes. Study: VKGL Data-share Consensus. Not counted in ClinVar's aggregate classification.

Laboratory of Diagnostic Genome Analysis, Leiden University Medical Center (LUMC)
Classification: Likely benign. Review status: no assertion criteria provided. Collection method: clinical testing. Allele origin: germline. Affected: yes. Study: VKGL Data-share Consensus. Not counted in ClinVar's aggregate classification.